The following is an entry in ClinVar:

ClinVar aggregate classification (germline): Uncertain significance (1 of 4 stars; one submission).

gnomAD v4.1: 2 of 1,613,606 alleles (0.00012%); highest among the groups gnomAD compares: South Asian, 0.0011%; no homozygotes.

Submission:

GeneDx
Classification: Uncertain significance. Last evaluated: 2024-04-09. Review status: criteria provided, single submitter. Criteria: GeneDx Variant Classification Process June 2021. Collection method: clinical testing. Allele origin: germline. Affected: yes.
Comment: Not observed at significant frequency in large population cohorts (gnomAD); Missense variants in this gene are a common cause of disease and they are underrepresented in the general population; In silico analysis supports that this missense variant has a deleterious effect on protein structure/function; Has not been previously published as pathogenic or benign to our knowledge

NM_005343.4(HRAS):c.403C>G (p.Arg135Gly)

Genes: HRAS (HRas proto-oncogene, GTPase; minus strand), LRRC56 (leucine rich repeat containing 56; plus strand). Cytogenetic location: 11p15.5.
Variant type: single nucleotide variant.
Coding change: c.403C>G on transcript NM_005343.4 (MANE Select); coding-DNA position 403, C replaced by G.
Protein change: p.Arg135Gly; replaces arginine 135 with glycine.
Molecular consequence: missense variant. On other transcripts: synonymous variant (1).
Genome position (GRCh38, 1-based): chr11:533,500, G>C on the plus strand (C>G on the coding strand, the complement: HRAS is on the minus strand). VCF-style: chr11-533500-G-C. GRCh37 (hg19) VCF-style: chr11-533500-G-C.
Other names: c.403C>G, p.Arg135Gly (NM_001130442.3, NM_176795.5); c.84C>G, p.Pro28= (NM_001318054.2); short protein forms R135G.
Identifiers: ClinVar variation 3371962 (VCV003371962.1).